The following is an entry in ClinVar:

NM_030665.4(RAI1):c.4799G>A (p.Arg1600Gln)

Gene: RAI1 (retinoic acid induced 1; plus strand). Cytogenetic location: 17p11.2.
Variant type: single nucleotide variant.
Coding change: c.4799G>A on transcript NM_030665.4 (MANE Select); coding-DNA position 4799, G replaced by A.
Protein change: p.Arg1600Gln; replaces arginine 1600 with glutamine.
Molecular consequence: missense variant.
Genome position (GRCh38, 1-based): chr17:17,797,747, G>A. VCF-style: chr17-17797747-G-A. GRCh37 (hg19) VCF-style: chr17-17701061-G-A.
Other names: c.4799G>A (NM_030665.3); short protein forms R1600Q.
Identifiers: ClinVar variation 1483580 (VCV001483580.10), dbSNP rs777595066, ClinGen allele CA8419029.

ClinVar aggregate classification (germline): Uncertain significance. Review status: criteria provided, multiple submitters, no conflicts (2 of 4 stars). 2 submissions from 2 submitters: Uncertain significance (2). Last evaluated 2025-01-30.

Conditions:
RAI1-related disorder. Also called: RAI1-related condition.

Allele frequency attached by ClinVar (database versions not stated): gnomAD exomes 0.00001 and 0.00002; TOPMed 0.00001; ExAC 0.00002; gnomAD 0.00002.
gnomAD v4.1: 29 of 1,613,858 alleles (0.0018%); highest among the groups gnomAD compares: Middle Eastern, 0.016%; no homozygotes.

Submissions (2):

PreventionGenetics, part of Exact Sciences
Classification: Uncertain significance for RAI1-related condition. Last evaluated: 2025-01-30. Review status: criteria provided, single submitter. Criteria: ACMG Guidelines, 2015. Collection method: clinical testing. Allele origin: germline.
Comment: The RAI1 c.4799G>A variant is predicted to result in the amino acid substitution p.Arg1600Gln. To our knowledge, this variant has not been reported in the literature. This variant is reported in 0.0033% of alleles in individuals of South Asian descent in gnomAD. At this time, the clinical significance of this variant is uncertain due to the absence of conclusive functional and genetic evidence.

Labcorp Genetics (formerly Invitae), Labcorp
Classification: Uncertain significance. Last evaluated: 2024-06-25. Review status: criteria provided, single submitter. Criteria: Invitae Variant Classification Sherloc (09022015). Collection method: clinical testing. Allele origin: germline.
Comment: This sequence change replaces arginine, which is basic and polar, with glutamine, which is neutral and polar, at codon 1600 of the RAI1 protein (p.Arg1600Gln). This variant is present in population databases (rs777595066, gnomAD 0.003%). This variant has not been reported in the literature in individuals affected with RAI1-related conditions. ClinVar contains an entry for this variant (Variation ID: 1483580). Advanced modeling of protein sequence and biophysical properties (such as structural, functional, and spatial information, amino acid conservation, physicochemical variation, residue mobility, and thermodynamic stability) performed at Invitae indicates that this missense variant is not expected to disrupt RAI1 protein function with a negative predictive value of 80%. In summary, the available evidence is currently insufficient to determine the role of this variant in disease. Therefore, it has been classified as a Variant of Uncertain Significance.